The following is an entry in ClinVar:

NM_006904.7(PRKDC):c.6000A>C (p.Arg2000Ser)

Gene: PRKDC (protein kinase, DNA-activated, catalytic subunit; minus strand). Cytogenetic location: 8q11.21.
Variant type: single nucleotide variant.
Coding change: c.6000A>C on transcript NM_006904.7 (MANE Select); coding-DNA position 6000, A replaced by C.
Protein change: p.Arg2000Ser; replaces arginine 2000 with serine.
Molecular consequence: missense variant.
Genome position (GRCh38, 1-based): chr8:47,860,957, T>G on the plus strand (A>C on the coding strand, the complement: PRKDC is on the minus strand). VCF-style: chr8-47860957-T-G. GRCh37 (hg19) VCF-style: chr8-48773518-T-G.
Other names: c.6000A>C, p.Arg2000Ser (NM_001081640.2); short protein forms R2000S.
Identifiers: ClinVar variation 2453255 (VCV002453255.2), dbSNP rs2551870433, ClinGen allele CA371161590.

ClinVar aggregate classification (germline): Uncertain significance (1 of 4 stars; one submission).

Submission:

Ambry Genetics
Classification: Uncertain significance. Last evaluated: 2023-01-18. Review status: criteria provided, single submitter. Criteria: Ambry Variant Classification Scheme 2023. Collection method: clinical testing. Allele origin: germline.
Comment: The p.R2000S variant (also known as c.6000A>C), located in coding exon 45 of the PRKDC gene, results from an A to C substitution at nucleotide position 6000. The arginine at codon 2000 is replaced by serine, an amino acid with dissimilar properties. This amino acid position is conserved. In addition, this alteration is predicted to be tolerated by in silico analysis. Since supporting evidence is limited at this time, the clinical significance of this alteration remains unclear.